The following is an entry in ClinVar:

NM_000489.6(ATRX):c.7373G>T (p.Gly2458Val)

Gene: ATRX (ATRX chromatin remodeler; minus strand). Cytogenetic location: Xq21.1.
Variant type: single nucleotide variant.
Coding change: c.7373G>T on transcript NM_000489.6 (MANE Select); coding-DNA position 7373, G replaced by T.
Protein change: p.Gly2458Val; replaces glycine 2458 with valine.
Molecular consequence: missense variant.
Genome position (GRCh38, 1-based): chrX:77,508,457, C>A on the plus strand (G>T on the coding strand, the complement: ATRX is on the minus strand). VCF-style: chrX-77508457-C-A. GRCh37 (hg19) VCF-style: chrX-76763935-C-A.
Other names: c.7259G>T, p.Gly2420Val (NM_138270.5); short protein forms G2420V, G2458V.
Identifiers: ClinVar variation 2769039 (VCV002769039.4), dbSNP rs2147647982, ClinGen allele CA413704048.

ClinVar aggregate classification (germline): Uncertain significance. Review status: criteria provided, multiple submitters, no conflicts (2 of 4 stars). 2 submissions from 2 submitters: Uncertain significance (2). Last evaluated 2024-06-13.

Conditions:
Alpha thalassemia-X-linked intellectual disability syndrome (ATRX). Also called: ALPHA-THALASSEMIA/MENTAL RETARDATION SYNDROME, X-LINKED; ATR, NONDELETION TYPE; ATR-X syndrome; Alpha thalassemia mental retardation syndrome, nondeletion type, X-linked; XLMR hypotonic face syndrome; X-linked alpha-thalassemia-mental retardation syndrome. Identifiers: Orphanet 847, MedGen C1845055, MONDO:0010519, OMIM 301040.
Intellectual disability-hypotonic facies syndrome, X-linked, 1 (MRXHF1). Also called: XLMR-HYPOTONIC FACIES SYNDROME; Smith Fineman Myers syndrome 1; HOLMES-GANG SYNDROME; CHUDLEY-LOWRY SYNDROME; Chudley syndrome 1; Chudley-Lowry-Hoar syndrome. Identifiers: Orphanet 73220, Orphanet 93970, Orphanet 93971, Orphanet 93972, Orphanet 93973, Orphanet 93974, Orphanet 93975, MedGen C4759781, MONDO:0010663, OMIM 309580.

Submissions (2):

3billion
Classification: Uncertain significance for Intellectual disability-hypotonic facies syndrome, X-linked, 1. Last evaluated: 2024-06-13. Review status: criteria provided, single submitter. Criteria: ACMG Guidelines, 2015. Collection method: clinical testing. Allele origin: germline. Affected: yes.
Comment: The variant is not observed in the gnomAD v4.0.0 dataset. Predicted Consequence/Location: Missense variant In silico tool predictions suggest damaging effect of the variant on gene or gene product [REVEL: 0.60 (>=0.6, sensitivity 0.68 and specificity 0.92)]. Therefore, this variant is classified as VUS according to the recommendation of ACMG/AMP guideline.

Labcorp Genetics (formerly Invitae), Labcorp
Classification: Uncertain significance for Alpha thalassemia-X-linked intellectual disability syndrome. Last evaluated: 2023-10-16. Review status: criteria provided, single submitter. Criteria: Invitae Variant Classification Sherloc (09022015). Collection method: clinical testing. Allele origin: germline.
Comment: This sequence change replaces glycine, which is neutral and non-polar, with valine, which is neutral and non-polar, at codon 2458 of the ATRX protein (p.Gly2458Val). This variant is not present in population databases (gnomAD no frequency). This variant has not been reported in the literature in individuals affected with ATRX-related conditions. Advanced modeling of protein sequence and biophysical properties (such as structural, functional, and spatial information, amino acid conservation, physicochemical variation, residue mobility, and thermodynamic stability) performed at Invitae indicates that this missense variant is not expected to disrupt ATRX protein function. In summary, the available evidence is currently insufficient to determine the role of this variant in disease. Therefore, it has been classified as a Variant of Uncertain Significance.